The following is an entry in ClinVar:

ClinVar aggregate classification (germline): Uncertain significance. Review status: criteria provided, multiple submitters, no conflicts (2 of 4 stars). 2 submissions from 2 submitters: Uncertain significance (2). Last evaluated 2020-08-16.

Conditions:
Citrin deficiency. Identifiers: Orphanet 247582, MedGen C1997910, MONDO:0016602.
Neonatal intrahepatic cholestasis due to citrin deficiency (CDNI). Also called: Neonatal-onset citrullinemia type II; Neonatal-onset citrullinemia type 2; Neonatal Intrahepatic Cholestasis Caused by Citrin Deficiency (NICCD); CITRIN DEFICIENCY, NEONATAL OR INFANTILE ONSET. Identifiers: Orphanet 247598, MedGen C1853942, MONDO:0011601, OMIM 605814.
Citrullinemia, type II, adult-onset (CDAA). Also called: CITRIN DEFICIENCY, ADOLESCENT OR ADULT ONSET. Identifiers: Orphanet 247585, MedGen CN295299, MONDO:0011326, OMIM 603471.

Submissions (2):

Department of Pathology and Laboratory Medicine, Sinai Health System
Classification: Uncertain significance for citrin deficiency. Last evaluated: 2020-08-16. Review status: criteria provided, single submitter. Criteria: ACMG Guidelines, 2015. Collection method: research. Allele origin: germline.

Juno Genomics, Hangzhou Juno Genomics, Inc
Classification: Uncertain significance for Citrullinemia, type II, adult-onset; Neonatal intrahepatic cholestasis due to citrin deficiency. Review status: criteria provided, single submitter. Criteria: ACMG Guidelines, 2015. Collection method: clinical testing. Allele origin: germline.
Comment: Absent from controls (or at extremely low frequency if recessive) in Genome Aggregation Database.;Protein length changes due to in-frame deletions/insertions in a non-repeat region or stop-loss variants.

NM_014251.3(SLC25A13):c.159_164del (p.Asn54_Pro55del)

Gene: SLC25A13 (solute carrier family 25 member 13; minus strand). Cytogenetic location: 7q21.3.
Variant type: Deletion.
Coding change: c.159_164del on transcript NM_014251.3 (MANE Select); coding-DNA positions 159 to 164, 6 bases deleted (TAATCC; older notation c.159_164delTAATCC).
Protein change: p.Asn54_Pro55del.
Molecular consequence: non-coding transcript variant (on NR_027662.2).
Genome position (GRCh38, 1-based): chr7:96,277,244-96,277,249, GGATTA deleted on the plus strand (TAATCC on the coding strand, the reverse complement: SLC25A13 is on the minus strand); deleting any 6 consecutive bases within chr7:96,277,244-96,277,251 gives the same sequence; the c. name uses the placement nearest the transcript's 3' end. VCF-style (leftmost placement, unchanged base first): chr7-96277243-TGGATTA-T. GRCh37 (hg19) VCF-style: chr7-95906555-TGGATTA-T.
Other names: c.159_164del, p.Asn54_Pro55del (NM_001160210.2).
Identifiers: ClinVar variation 3780614 (VCV003780614.3).